The following is an entry in ClinVar:

NM_001165963.4(SCN1A):c.3693T>A (p.Ser1231Arg)

Genes: SCN1A (sodium voltage-gated channel alpha subunit 1; minus strand), LOC102724058 (uncharacterized LOC102724058; plus strand). Cytogenetic location: 2q24.3.
Variant type: single nucleotide variant.
Coding change: c.3693T>A on transcript NM_001165963.4 (MANE Select); coding-DNA position 3693, T replaced by A.
Protein change: p.Ser1231Arg; replaces serine 1231 with arginine.
Molecular consequence: missense variant. On other transcripts: non-coding transcript variant (1).
Genome position (GRCh38, 1-based): chr2:166,013,756, A>T on the plus strand (T>A on the coding strand, the complement: SCN1A is on the minus strand). VCF-style: chr2-166013756-A-T. GRCh37 (hg19) VCF-style: chr2-166870266-A-T.
Other names: c.3609T>A, p.Ser1203Arg (NM_001165964.3, NM_001353957.2, NM_001353958.2); c.3693T>A, p.Ser1231Arg (NM_001202435.3, NM_001353948.2); c.3660T>A, p.Ser1220Arg (NM_001353949.2, NM_001353950.2, NM_001353951.2 and 2 more transcripts); c.3657T>A, p.Ser1219Arg (NM_001353954.2, NM_001353955.2); c.3606T>A, p.Ser1202Arg (NM_001353960.2); c.1251T>A, p.Ser417Arg (NM_001353961.2); short protein forms S1220R, S1231R, S1202R, S417R, S1203R, S1219R.
Identifiers: ClinVar variation 68619 (VCV000068619.2), dbSNP rs121918746, ClinGen allele CA285135.

ClinVar aggregate classification (germline): Likely pathogenic. Review status: criteria provided, single submitter (1 of 4 stars). 2 submissions from 2 submitters: Likely pathogenic (1). 1 of the submissions does not count toward it. Last evaluated 2024-01-23.

Conditions:
Severe myoclonic epilepsy in infancy (DRVT). Also called: SEVERE MYOCLONIC EPILEPSY OF INFANCY; DEVELOPMENTAL AND EPILEPTIC ENCEPHALOPATHY 6A; Severe Myoclonic Epilepsy in Infancy (SMEI); Dravet syndrome; Epileptic encephalopathy, early infantile, 6 (Dravet syndrome). Identifiers: Orphanet 33069, MedGen C0751122, MONDO:0100135, OMIM 607208.

Submissions (2):

3billion
Classification: Likely pathogenic for Severe myoclonic epilepsy in infancy. Last evaluated: 2024-01-23. Review status: criteria provided, single submitter. Criteria: ACMG Guidelines, 2015. Collection method: clinical testing. Allele origin: germline. Affected: yes.
Comment: The variant is not observed in the gnomAD v2.1.1 dataset. Predicted Consequence/Location: Missense variant In silico tool predictions suggest damaging effect of the variant on gene or gene product [REVEL: 0.93 (>=0.6, sensitivity 0.68 and specificity 0.92); 3Cnet: 0.96 (>=0.6, sensitivity 0.72 and precision 0.9)]. Same nucleotide change resulting in same amino acid change has been previously reported to be associated with SCN1A related disorder (PMID: 12566275). The variant has been previously reported as assumed (i.e. paternity and maternity not confirmed) de novo in at least one similarly affected unrelated individual (PMID: 12566275). Different missense changes at the same codon (p.Ser1231Ile, p.Ser1231Thr) have been reported to be associated with SCN1A related disorder (ClinVar ID: VCV002034846 /PMID: 16458823). Therefore, this variant is classified as Likely pathogenic according to the recommendation of ACMG/AMP guideline.

UniProtKB/Swiss-Prot
No classification provided. Condition: Severe myoclonic epilepsy in infancy. Review status: no classification provided. Collection method: not provided. Allele origin: germline. Not counted in ClinVar's aggregate classification.

Literature cited by the submitters: PubMed 16458823 (cited by 3billion); PubMed 12566275 (cited by 3billion).